The following is an entry in ClinVar:

ClinVar aggregate classification (germline): Uncertain significance. Review status: criteria provided, multiple submitters, no conflicts (2 of 4 stars). 2 submissions from 2 submitters: Uncertain significance (2). Last evaluated 2022-09-01.

Conditions:
Inborn genetic diseases. Identifiers: MedGen C0950123, MeSH D030342.
Fanconi anemia (FA). Also called: Fanconi's anemia. Identifiers: Orphanet 84, MedGen C0015625, MeSH D005199, MONDO:0019391.

Allele frequency attached by ClinVar (database versions not stated): gnomAD exomes 0.00002.

Submissions (2):

Labcorp Genetics (formerly Invitae), Labcorp
Classification: Uncertain significance for Fanconi anemia. Last evaluated: 2022-09-01. Review status: criteria provided, single submitter. Criteria: Invitae Variant Classification Sherloc (09022015). Collection method: clinical testing. Allele origin: germline.
Comment: This sequence change replaces leucine, which is neutral and non-polar, with phenylalanine, which is neutral and non-polar, at codon 4 of the FANCF protein (p.Leu4Phe). This variant is not present in population databases (gnomAD no frequency). This variant has not been reported in the literature in individuals affected with FANCF-related conditions. Algorithms developed to predict the effect of missense changes on protein structure and function are either unavailable or do not agree on the potential impact of this missense change (SIFT: "Deleterious"; PolyPhen-2: "Probably Damaging"; Align-GVGD: "Class C0"). In summary, the available evidence is currently insufficient to determine the role of this variant in disease. Therefore, it has been classified as a Variant of Uncertain Significance.

Ambry Genetics
Classification: Uncertain significance for Inborn genetic diseases. Last evaluated: 2021-10-26. Review status: criteria provided, single submitter. Criteria: Ambry Variant Classification Scheme 2023. Collection method: clinical testing. Allele origin: germline.

NM_022725.4(FANCF):c.10C>T (p.Leu4Phe)

Gene: FANCF (FA complementation group F; minus strand). Cytogenetic location: 11p14.3.
Variant type: single nucleotide variant.
Coding change: c.10C>T on transcript NM_022725.4 (MANE Select); coding-DNA position 10, C replaced by T.
Protein change: p.Leu4Phe; replaces leucine 4 with phenylalanine.
Molecular consequence: missense variant.
Genome position (GRCh38, 1-based): chr11:22,625,801, G>A on the plus strand (C>T on the coding strand, the complement: FANCF is on the minus strand). VCF-style: chr11-22625801-G-A. GRCh37 (hg19) VCF-style: chr11-22647347-G-A.
Other names: short protein forms L4F.
Identifiers: ClinVar variation 2147930 (VCV002147930.2), dbSNP rs780551069, ClinGen allele CA219086680.